The following is an entry in ClinVar:

ClinVar aggregate classification (germline): Likely pathogenic. Review status: reviewed by expert panel (3 of 4 stars). 2 submissions from 2 submitters: Likely pathogenic (1). 1 of the submissions does not count toward it. Last evaluated 2023-04-11.

Conditions:
Very long chain acyl-CoA dehydrogenase deficiency (ACADVLD). Also called: VLCAD Deficiency; Very Long-Chain Acyl-Coenzyme A Dehydrogenase Deficiency. Identifiers: Orphanet 26793, MedGen C3887523, MONDO:0008723, OMIM 201475.

Submissions (2):

ClinGen ACADVL Variant Curation Expert Panel, ClinGen
Classification: Likely pathogenic for Very long chain acyl-CoA dehydrogenase deficiency. Last evaluated: 2023-04-11. Review status: reviewed by expert panel. Criteria: clingen acadvl acmg specifications v1. Collection method: curation. Allele origin: germline. Inheritance: Autosomal recessive inheritance.
Comment: The c.419G>A (p.Gly140Glu) variant in ACADVL is a missense in exon 6. This variant has been described in one reportedly affected individual, but this individual does not meet our guidelines for consideration of phenotypic or genotypic data (PMID: 15210884). However, information provided to the ACADVL VCEP by an external clinical lab shows increased C14:1 level in a pattern consistent with very long chain acyl-CoA dehydrogenase (VLCAD) in at least two individuals (PP4_moderate). These individuals also had an additional likely pathogenic variant detected confirmed in trans (PM3). This variant is absent from gnomAD population database v2.1.1 (PM2_supporting), and the computational predictor REVEL gives a score of 0.96, which is above the threshold of 0.75, evidence that correlates with impact to ACADVL function (PP3). In summary, this variant meets the criteria to be classified as likely pathogenic for autosomal recessive VLCAD deficiency based on the ACMG/AMP criteria applied, as specified by the ClinGen ACADVL Variant Curation Expert Panel: PM2_supporting, PM3, PP3, PP4_moderate (ACADVL VCEP specifications version 1; approved November 8, 2021). This variant was originally curated July 12, 2022 and the recurated classification was approved by the expert panel on April 11, 2023.

Labcorp Genetics (formerly Invitae), Labcorp
Classification: Pathogenic for Very long chain acyl-CoA dehydrogenase deficiency. Last evaluated: 2023-07-20. Review status: criteria provided, single submitter. Criteria: Invitae Variant Classification Sherloc (09022015). Collection method: clinical testing. Allele origin: germline. Not counted in ClinVar's aggregate classification.
Comment: ClinVar contains an entry for this variant (Variation ID: 840694). This sequence change replaces glycine, which is neutral and non-polar, with glutamic acid, which is acidic and polar, at codon 140 of the ACADVL protein (p.Gly140Glu). This variant is not present in population databases (gnomAD no frequency). This missense change has been observed in individual(s) with VLCAD deficiency (PMID: 15210884; Invitae). In at least one individual the data is consistent with being in trans (on the opposite chromosome) from a pathogenic variant. Advanced modeling of protein sequence and biophysical properties (such as structural, functional, and spatial information, amino acid conservation, physicochemical variation, residue mobility, and thermodynamic stability) performed at Invitae indicates that this missense variant is expected to disrupt ACADVL protein function. Experimental studies have shown that this missense change affects ACADVL function (PMID: 15210884). For these reasons, this variant has been classified as Pathogenic.

Literature cited by the submitters: PubMed 15210884 (cited by Labcorp Genetics (formerly Invitae), Labcorp).

NM_000018.4(ACADVL):c.419G>A (p.Gly140Glu)

Gene: ACADVL (acyl-CoA dehydrogenase very long chain; plus strand). Cytogenetic location: 17p13.1.
Variant type: single nucleotide variant.
Coding change: c.419G>A on transcript NM_000018.4 (MANE Select); coding-DNA position 419, G replaced by A.
Protein change: p.Gly140Glu; replaces glycine 140 with glutamic acid.
Molecular consequence: missense variant.
Genome position (GRCh38, 1-based): chr17:7,221,000, G>A. VCF-style: chr17-7221000-G-A. GRCh37 (hg19) VCF-style: chr17-7124319-G-A.
Other names: NM_000018.4(ACADVL):c.419G>A; p.Gly140Glu; c.353G>A, p.Gly118Glu (NM_001033859.3); c.488G>A, p.Gly163Glu (NM_001270447.2); c.191G>A, p.Gly64Glu (NM_001270448.2); short protein forms G118E, G140E, G64E, G163E.
Identifiers: ClinVar variation 840694 (VCV000840694.13), dbSNP rs2071185757, ClinGen allele CA397722868.